The following is an entry in ClinVar:

ClinVar aggregate classification (germline): Pathogenic (1 of 4 stars; one submission).

Submission:

Labcorp Genetics (formerly Invitae), Labcorp
Classification: Pathogenic. Last evaluated: 2025-11-16. Review status: criteria provided, single submitter. Criteria: Invitae Variant Classification Sherloc (09022015). Collection method: clinical testing. Allele origin: germline.
Comment: This sequence change creates a premature translational stop signal (p.Glu1351*) in the COL2A1 gene. It is expected to result in an absent or disrupted protein product. Loss-of-function variants in COL2A1 are known to be pathogenic (PMID: 20179744). This variant is not present in population databases (gnomAD no frequency). This variant has not been reported in the literature in individuals affected with COL2A1-related conditions. For these reasons, this variant has been classified as Pathogenic.

Literature cited by the submitters: PubMed 20179744.

NM_001844.5(COL2A1):c.4051G>T (p.Glu1351Ter)

Gene: COL2A1 (collagen type II alpha 1 chain; minus strand). Cytogenetic location: 12q13.11.
Variant type: single nucleotide variant.
Coding change: c.4051G>T on transcript NM_001844.5 (MANE Select); coding-DNA position 4051, G replaced by T.
Protein change: p.Glu1351Ter; replaces glutamic acid 1351 with a stop codon.
Molecular consequence: nonsense.
Genome position (GRCh38, 1-based): chr12:47,974,698, C>A on the plus strand (G>T on the coding strand, the complement: COL2A1 is on the minus strand). VCF-style: chr12-47974698-C-A. GRCh37 (hg19) VCF-style: chr12-48368481-C-A.
Other names: c.3844G>T, p.Glu1282Ter (NM_033150.3); short protein forms E1282*, E1351*.
Identifiers: ClinVar variation 4731294 (VCV004731294.1).